The following is an entry in ClinVar:

ClinVar aggregate classification (germline): Pathogenic. Review status: reviewed by expert panel (3 of 4 stars). 7 submissions from 7 submitters: Pathogenic (1). 6 of the submissions do not count toward it. Last evaluated 2023-09-14.

Conditions:
Deficiency of guanidinoacetate methyltransferase (CCDS2). Also called: GAMT DEFICIENCY; CEREBRAL CREATINE DEFICIENCY SYNDROME 2; Guanidinoacetate Methyltransferase (GAMT) Deficiency. Identifiers: Orphanet 382, MedGen C0574080, MONDO:0012999, OMIM 612736.
Cerebral creatine deficiency syndrome. Also called: Creatine deficiency syndromes. Identifiers: Orphanet 79172, MedGen C5244016, MONDO:0000456.

Allele frequency attached by ClinVar (database versions not stated): TOPMed 0.00001; gnomAD exomes below 0.00001 and 0.00001.

Submissions (7):

ClinGen Cerebral Creatine Deficiency Syndromes Variant Curation Expert Panel, ClinGen
Classification: Pathogenic for Deficiency of guanidinoacetate methyltransferase. Last evaluated: 2023-09-14. Review status: reviewed by expert panel. Criteria: ClinGen_CCDS_ACMG_Specifications_GAMT_v1.1. Collection method: curation. Allele origin: germline. Inheritance: Autosomal recessive inheritance.
Comment: The NM_000156.6:c.145del (p.Tyr49Ilefs*65) variant in GAMT is a frameshift variant that is predicted to cause a premature stop codon in biologically-relevant-exon 3/6, leading to nonsense mediated decay in a gene in which loss-of-function is an established disease mechanism (PVS1). The highest population minor allele frequency in gnomAD v2.1.1 is 0.0000373 (1/26808 alleles) in the Lation/Admixed American population, which is lower than the ClinGen CCDS VCEP’s threshold for PM2_Supporting (<0.0004), meeting this criterion (PM2_Supporting). There is a ClinVar entry for this variant (Variation ID: 695019). In summary, this variant meets the criteria to be classified as pathogenic for GAMT deficiency. GAMT-specific ACMG/AMP criteria applied, as specified by the ClinGen Cerebral Creatine Deficiency Syndromes Variant Curation Expert Panel (CCDS VCEP) (Specifications Version 1.1.0): PVS1, PP4_Strong, PM2_Supporting, PM3_Supporting. (Classification approved by the ClinGen CCDS VCEP on Sept. 14, 2023)

Natera, Inc.
Classification: Pathogenic for Guanidinoacetate methyltransferase deficiency. Last evaluated: 2024-06-28. Review status: criteria provided, single submitter. Criteria: Natera Variant Classification Schema (03/2026). Collection method: clinical testing. Allele origin: germline. Not counted in ClinVar's aggregate classification.
Comment: The c.145delT variant in GAMT is a frameshift variant predicted to shift the reading frame beginning at codon 49 and leads to a stop codon 65 codons downstream. This variant is expected to result in nonsense mediated decay, truncation, or a dysfunctional protein product. This variant is rare in the general population with a frequency below the threshold expected for the associated phenotype(s). This variant has been observed in one or more individuals affected with the associated recessive disease, as either homozygous or compound heterozygous with a second variant (PMID: 21140503). Given the available evidence, this variant is classified as Pathogenic.

Fulgent Genetics
Classification: Pathogenic for Deficiency of guanidinoacetate methyltransferase. Last evaluated: 2024-04-29. Review status: criteria provided, single submitter. Criteria: ACMG Guidelines, 2015. Collection method: clinical testing. Allele origin: germline. Not counted in ClinVar's aggregate classification.

Baylor Genetics
Classification: Pathogenic for Deficiency of guanidinoacetate methyltransferase. Last evaluated: 2024-01-15. Review status: criteria provided, single submitter. Criteria: ACMG Guidelines, 2015. Collection method: clinical testing. Allele origin: unknown. Not counted in ClinVar's aggregate classification.

Broad Center for Mendelian Genomics, Broad Institute of MIT and Harvard
Classification: Pathogenic for Cerebral creatine deficiency syndrome. Last evaluated: 2021-11-02. Review status: criteria provided, single submitter. Criteria: ACMG Guidelines, 2015. Collection method: curation. Allele origin: germline. Inheritance: Autosomal recessive inheritance. Not counted in ClinVar's aggregate classification.
Comment: The c.145del variant in GAMT has been reported in 1 individual, in the homozygous state, with cerebral creatine deficiency syndrome (PMID: 19892372) and has been identified in 0.004% (1/26808) of Latino/Admixed American chromosomes by the Genome Aggregation Database (gnomAD; dbSNP ID: rs1384688313). Although this variant has been seen in the general population in a heterozygous state, its frequency is low enough to be consistent with a recessive carrier frequency. This variant has also been reported in ClinVar (Variation ID#: 695019) and has been interpreted as pathogenic by Integrated Genetics (Laboratory Corporation of America) and Center of Genomic medicine (Geneva, University Hospital of Geneva). In vitro functional studies provide evidence that the c.145del variant impacts protein function (PMID: 21140503). However, these types of assays may not accurately represent biological function. This variant is predicted to cause a frameshift, which alters the protein’s amino acid sequence beginning at position 49 and leads to a premature termination codon 16 amino acids downstream. This alteration is then predicted to lead to a truncated or absent protein. Loss of function of the GAMT gene is an established disease mechanism in autosomal recessive cerebral creatine deficiency syndrome. The phenotype of an individual homozygous for this variant is highly specific for cerebral creatine deficiency syndrome based on strict biochemical investigations consistent with disease (PMID: 21140503). In summary, this variant meets criteria to be classified as pathogenic for autosomal recessive cerebral creatine deficiency syndrome. ACMG/AMP Criteria applied: PM3_supporting, PVS1, PS3, PP4, PM2_supporting (Richards 2015).

Women's Health and Genetics/Laboratory Corporation of America, LabCorp
Classification: Pathogenic for Deficiency of guanidinoacetate methyltransferase. Last evaluated: 2020-01-13. Review status: criteria provided, single submitter. Criteria: LabCorp Variant Classification Summary - May 2015. Collection method: clinical testing. Allele origin: germline. Not counted in ClinVar's aggregate classification.
Comment: Variant summary: GAMT c.145delT (p.Tyr49IlefsX65) results in a premature termination codon, predicted to cause a truncation of the encoded protein or absence of the protein due to nonsense mediated decay, which are commonly known mechanisms for disease. Truncations downstream of this position have been classified as pathogenic by our laboratory. The variant allele was found at a frequency of 6.2e-06 in 162428 control chromosomes. c.145delT has been reported in the literature in at least one individual affected with Guanidinoactetate methyltransferase deficiency (Alcaide_2011). These data indicate that the variant may be associated with disease. At least one publication reports experimental evidence evaluating an impact on protein function. The most pronounced variant effect results in <10% of normal activity (Alcaide_2011). One clinical diagnostic laboratory has submitted clinical-significance assessments for this variant to ClinVar after 2014 without evidence for independent evaluation and classified the variant as pathogenic. Based on the evidence outlined above, the variant was classified as pathogenic.

Center of Genomic medicine, Geneva, University Hospital of Geneva
Classification: Pathogenic for Deficiency of guanidinoacetate methyltransferase. Last evaluated: 2018-12-11. Review status: criteria provided, single submitter. Criteria: ACMG Guidelines, 2015. Collection method: clinical testing. Allele origin: paternal. Affected: yes. Observed: 3 variant alleles. Not counted in ClinVar's aggregate classification.

Literature cited by the submitters: PubMed 21140503 (cited by Natera, Inc. and Women's Health and Genetics/Laboratory Corporation of America, LabCorp).

NM_000156.6(GAMT):c.145del (p.Tyr49fs)

Genes: GAMT (guanidinoacetate N-methyltransferase; minus strand), LOC130062945 (ATAC-STARR-seq lymphoblastoid silent region 9707; plus strand). Cytogenetic location: 19p13.3.
Variant type: Deletion.
Coding change: c.145del on transcript NM_000156.6 (MANE Select); coding-DNA position 145, one base deleted (T; older notation c.145delT).
Protein change: p.Tyr49fs; shifts the reading frame from tyrosine 49.
Molecular consequence: frameshift variant.
Genome position (GRCh38, 1-based): chr19:1,401,332, A deleted on the plus strand (T on the coding strand, the reverse complement: GAMT is on the minus strand). VCF-style (leftmost placement, unchanged base first): chr19-1401331-TA-T. GRCh37 (hg19) VCF-style: chr19-1401330-TA-T.
Other names: NM_000156.6(GAMT):c.145del; p.Tyr49fs; c.145delT (NM_000156.5); c.145del, p.Tyr49fs (NM_138924.3); short protein forms Y49fs.
Identifiers: ClinVar variation 695019 (VCV000695019.9), dbSNP rs1384688313, ClinGen allele CA631301060.
Genomic context (GRCh38, chr19:1,401,331, plus strand): 5'-GCGGTGCAGGCCGGGCGGGGGCTACCTTTGGAGGAGGCGGCGGCGGCCAGCGCGTGCATA[TA>T]GGGGGTCTCCCAGCGCTCCATCACCGGCTTGCCCAGGATGCGCAGGTGCGTGTCCGCTGC-3'